The following is an entry in ClinVar:

ClinVar aggregate classification (germline): Uncertain significance. Review status: criteria provided, multiple submitters, no conflicts (2 of 4 stars). 2 submissions from 2 submitters: Uncertain significance (2). Last evaluated 2025-02-07.

Conditions:
SEMA3D-related disorder. Also called: SEMA3D-related condition.

gnomAD v4.1: 19 of 1,605,018 alleles (0.0012%); highest among the groups gnomAD compares: South Asian, 0.0033%; no homozygotes.

Submissions (2):

Ambry Genetics
Classification: Uncertain significance. Last evaluated: 2025-02-07. Review status: criteria provided, single submitter. Criteria: Ambry Variant Classification Scheme 2023. Collection method: clinical testing. Allele origin: germline.

PreventionGenetics, part of Exact Sciences
Classification: Uncertain significance for SEMA3D-related condition. Last evaluated: 2024-11-21. Review status: criteria provided, single submitter. Criteria: ACMG Guidelines, 2015. Collection method: clinical testing. Allele origin: germline.
Comment: The SEMA3D c.287T>C variant is predicted to result in the amino acid substitution p.Val96Ala. To our knowledge, this variant has not been reported in the literature. This variant is reported in 0.0098% of alleles in individuals of South Asian descent in gnomAD. At this time, the clinical significance of this variant is uncertain due to the absence of conclusive functional and genetic evidence.

NM_001384900.1(SEMA3D):c.287T>C (p.Val96Ala)

Gene: SEMA3D (semaphorin 3D; minus strand). Cytogenetic location: 7q21.11.
Variant type: single nucleotide variant.
Coding change: c.287T>C on transcript NM_001384900.1 (MANE Select); coding-DNA position 287, T replaced by C.
Protein change: p.Val96Ala; replaces valine 96 with alanine.
Molecular consequence: missense variant.
Genome position (GRCh38, 1-based): chr7:85,097,830, A>G on the plus strand (T>C on the coding strand, the complement: SEMA3D is on the minus strand). VCF-style: chr7-85097830-A-G. GRCh37 (hg19) VCF-style: chr7-84727146-A-G.
Other names: c.287T>C, p.Val96Ala (NM_001384901.1, NM_001384902.1, NM_001384903.1 and 1 more transcripts); short protein forms V96A.
Identifiers: ClinVar variation 3794040 (VCV003794040.2).